The following is an entry in ClinVar:

NM_003238.6(TGFB2):c.*1624T>A

Genes: TGFB2 (transforming growth factor beta 2; plus strand), TGFB2-OT1 (TGFB2 overlapping transcript 1; plus strand). Cytogenetic location: 1q41.
Variant type: single nucleotide variant.
Coding change: c.*1624T>A on transcript NM_003238.6 (MANE Select); 1624 bases downstream of the stop codon, T replaced by A.
Molecular consequence: 3 prime UTR variant. On other transcripts: non-coding transcript variant (3).
Genome position (GRCh38, 1-based): chr1:218,442,986, T>A. VCF-style: chr1-218442986-T-A. GRCh37 (hg19) VCF-style: chr1-218616328-T-A.
Other names: c.*1624T>A (NM_001135599.4).
Identifiers: ClinVar variation 295521 (VCV000295521.6), dbSNP rs3737977, ClinGen allele CA10609137.

ClinVar aggregate classification (germline): Benign. Review status: criteria provided, multiple submitters, no conflicts (2 of 4 stars). 2 submissions from 2 submitters: Benign (2). Last evaluated 2017-04-27.

Conditions:
Loeys-Dietz syndrome 4 (LDS4). Also called: ANEURYSM, AORTIC AND CEREBRAL, WITH ARTERIAL TORTUOSITY AND SKELETAL MANIFESTATIONS; TGFB2-Related Loeys-Dietz Syndrome. Identifiers: MedGen C3553762, MONDO:0013897, OMIM 614816.

Allele frequency attached by ClinVar (database versions not stated): gnomAD 0.10206 and 0.10338; TOPMed 0.11038; 1000 Genomes Project 0.12700; 1000 Genomes Project 30x 0.13132.

Submissions (2):

Illumina Laboratory Services, Illumina
Classification: Benign for Loeys-Dietz syndrome 4. Last evaluated: 2017-04-27. Review status: criteria provided, single submitter. Criteria: ICSL Variant Classification Criteria 13 December 2019. Collection method: clinical testing. Allele origin: germline.
Comment: This variant was observed as part of a predisposition screen in an ostensibly healthy population. A literature search was performed for the gene, cDNA change, and amino acid change (where applicable). No publications were found based on this search. Allele frequency data from public databases was too high to be consistent with this variant causing disease. Therefore, this variant is classified as benign.

Breakthrough Genomics
Classification: Benign. Review status: criteria provided, single submitter. Criteria: ACMG Guidelines, 2015. Collection method: not provided. Allele origin: germline. Inheritance: Autosomal dominant inheritance. Affected: yes.